The following is an entry in ClinVar:

ClinVar aggregate classification (germline): Uncertain significance. Review status: criteria provided, multiple submitters, no conflicts (2 of 4 stars). 5 submissions from 5 submitters: Uncertain significance (5). Last evaluated 2025-11-27.

Conditions:
Cardiovascular phenotype. Identifiers: MedGen CN230736.
RASopathy. Also called: Noonan spectrum disorder; rasopathies. Identifiers: Orphanet 536391, MedGen C5555857, MONDO:0021060.

Allele frequency attached by ClinVar (database versions not stated): ExAC 0.00001; gnomAD 0.00001; gnomAD exomes 0.00001; TOPMed 0.00001.
gnomAD v4.1: 44 of 1,583,910 alleles (0.0028%); highest among the groups gnomAD compares: Non-Finnish European, 0.0036%; no homozygotes.

Submissions (5):

Labcorp Genetics (formerly Invitae), Labcorp
Classification: Uncertain significance for RASopathy. Last evaluated: 2025-11-27. Review status: criteria provided, single submitter. Criteria: Invitae Variant Classification Sherloc (09022015). Collection method: clinical testing. Allele origin: germline.
Comment: This sequence change replaces phenylalanine, which is neutral and non-polar, with valine, which is neutral and non-polar, at codon 230 of the SOS1 protein (p.Phe230Val). This variant is present in population databases (rs397517177, gnomAD 0.003%). This variant has not been reported in the literature in individuals affected with SOS1-related conditions. ClinVar contains an entry for this variant (Variation ID: 40658). Invitae Evidence Modeling of protein sequence and biophysical properties (such as structural, functional, and spatial information, amino acid conservation, physicochemical variation, residue mobility, and thermodynamic stability) has been performed for this missense variant. However, the output from this modeling did not meet the statistical confidence thresholds required to predict the impact of this variant on SOS1 protein function. In summary, the available evidence is currently insufficient to determine the role of this variant in disease. Therefore, it has been classified as a Variant of Uncertain Significance.

Ambry Genetics
Classification: Uncertain significance for Cardiovascular phenotype. Last evaluated: 2024-03-15. Review status: criteria provided, single submitter. Criteria: Ambry Variant Classification Scheme 2023. Collection method: clinical testing. Allele origin: germline.
Comment: The p.F230V variant (also known as c.688T>G), located in coding exon 5 of the SOS1 gene, results from a T to G substitution at nucleotide position 688. The phenylalanine at codon 230 is replaced by valine, an amino acid with highly similar properties. This amino acid position is well conserved in available vertebrate species. In addition, the in silico prediction for this alteration is inconclusive. Since supporting evidence is limited at this time, the clinical significance of this alteration remains unclear.

GeneDx
Classification: Uncertain significance. Last evaluated: 2022-12-23. Review status: criteria provided, single submitter. Criteria: GeneDx Variant Classification Process June 2021. Collection method: clinical testing. Allele origin: germline. Affected: yes.
Comment: Has not been previously published as pathogenic or benign to our knowledge; In silico analysis supports that this missense variant does not alter protein structure/function; Missense variants in this gene are often considered pathogenic (HGMD)

Women's Health and Genetics/Laboratory Corporation of America, LabCorp
Classification: Uncertain significance. Last evaluated: 2019-11-21. Review status: criteria provided, single submitter. Criteria: LabCorp Variant Classification Summary - May 2015. Collection method: clinical testing. Allele origin: germline.
Comment: Variant summary: SOS1 c.688T>G (p.Phe230Val) results in a non-conservative amino acid change located in the Dbl homology (DH) domain (IPR000219) of the encoded protein sequence. Three of five in-silico tools predict a damaging effect of the variant on protein function. The variant allele was found at a frequency of 1.2e-05 in 250966 control chromosomes. The available data on variant occurrences in the general population are insufficient to allow any conclusion about variant significance. To our knowledge, no occurrence of c.688T>G in individuals affected with Noonan Syndrome and Related Conditions and no experimental evidence demonstrating its impact on protein function have been reported. No clinical diagnostic laboratories have submitted clinical-significance assessments for this variant to ClinVar after 2014. Based on the evidence outlined above, the variant was classified as uncertain significance.

Laboratory for Molecular Medicine, Mass General Brigham Personalized Medicine
Classification: Uncertain significance. Last evaluated: 2009-04-30. Review status: criteria provided, single submitter. Criteria: LMM Criteria. Collection method: clinical testing. Allele origin: germline. Observed: 2 variant alleles.

NM_005633.4(SOS1):c.688T>G (p.Phe230Val)

Gene: SOS1 (SOS Ras/Rac guanine nucleotide exchange factor 1; minus strand). Cytogenetic location: 2p22.1.
Variant type: single nucleotide variant.
Coding change: c.688T>G on transcript NM_005633.4 (MANE Select); coding-DNA position 688, T replaced by G.
Protein change: p.Phe230Val; replaces phenylalanine 230 with valine.
Molecular consequence: missense variant.
Genome position (GRCh38, 1-based): chr2:39,054,646, A>C on the plus strand (T>G on the coding strand, the complement: SOS1 is on the minus strand). VCF-style: chr2-39054646-A-C. GRCh37 (hg19) VCF-style: chr2-39281787-A-C.
Other names: p.F230V:TTT>GTT; c.667T>G, p.Phe223Val (NM_001382394.1); c.688T>G, p.Phe230Val (NM_001382395.1); short protein forms F230V, F223V.
Identifiers: ClinVar variation 40658 (VCV000040658.20), dbSNP rs397517177, ClinGen allele CA136180.